The following is an entry in ClinVar:

ClinVar aggregate classification (germline): Uncertain significance (1 of 4 stars; one submission).

Submission:

GeneDx
Classification: Uncertain significance. Last evaluated: 2025-12-12. Review status: criteria provided, single submitter. Criteria: GeneDx Variant Classification Process June 2021. Collection method: clinical testing. Allele origin: germline.
Comment: Not observed at significant frequency in large population cohorts (gnomAD); In silico analysis suggests that this missense variant does not alter protein structure/function; Has not been previously published as pathogenic or benign to our knowledge

NM_017649.5(CNNM2):c.763T>C (p.Phe255Leu)

Gene: CNNM2 (cyclin and CBS domain divalent metal cation transport mediator 2; plus strand). Cytogenetic location: 10q24.32.
Variant type: single nucleotide variant.
Coding change: c.763T>C on transcript NM_017649.5 (MANE Select); coding-DNA position 763, T replaced by C.
Protein change: p.Phe255Leu; replaces phenylalanine 255 with leucine.
Molecular consequence: missense variant.
Genome position (GRCh38, 1-based): chr10:102,919,243, T>C. VCF-style: chr10-102919243-T-C. GRCh37 (hg19) VCF-style: chr10-104679000-T-C.
Other names: c.763T>C, p.Phe255Leu (NM_199076.3, NM_199077.3); short protein forms F255L.
Identifiers: ClinVar variation 3253165 (VCV003253165.2), dbSNP rs2493375106.